The following is an entry in ClinVar:

ClinVar aggregate classification (germline): Uncertain significance (1 of 4 stars; one submission).

Conditions:
Early Myoclonic Encephalopathy. Identifiers: MedGen C0270855.

Allele frequency attached by ClinVar (database versions not stated): gnomAD 0.00001; gnomAD exomes 0.00001 and below 0.00001; TOPMed 0.00001; ExAC 0.00001.
gnomAD v4.1: 11 of 1,613,858 alleles (0.00068%); highest among the groups gnomAD compares: Admixed American, 0.0017%; no homozygotes.

Submission:

Labcorp Genetics (formerly Invitae), Labcorp
Classification: Uncertain significance for Early Myoclonic Encephalopathy. Last evaluated: 2021-03-05. Review status: criteria provided, single submitter. Criteria: Invitae Variant Classification Sherloc (09022015). Collection method: clinical testing. Allele origin: germline.
Comment: This sequence change replaces glycine with alanine at codon 767 of the JMJD1C protein (p.Gly767Ala). The glycine residue is moderately conserved and there is a small physicochemical difference between glycine and alanine. This variant is present in population databases (rs746786140, ExAC 0.009%). This variant has not been reported in the literature in individuals with JMJD1C-related disease. Algorithms developed to predict the effect of missense changes on protein structure and function are either unavailable or do not agree on the potential impact of this missense change (SIFT: "Tolerated"; PolyPhen-2: "Possibly Damaging"; Align-GVGD: "Class C0"). In summary, the available evidence is currently insufficient to determine the role of this variant in disease. Therefore, it has been classified as a Variant of Uncertain Significance.

NM_032776.3(JMJD1C):c.2300G>C (p.Gly767Ala)

Gene: JMJD1C (jumonji domain containing 1C; minus strand). Cytogenetic location: 10q21.3.
Variant type: single nucleotide variant.
Coding change: c.2300G>C on transcript NM_032776.3 (MANE Select); coding-DNA position 2300, G replaced by C.
Protein change: p.Gly767Ala; replaces glycine 767 with alanine.
Molecular consequence: missense variant. On other transcripts: non-coding transcript variant (1).
Genome position (GRCh38, 1-based): chr10:63,213,867, C>G on the plus strand (G>C on the coding strand, the complement: JMJD1C is on the minus strand). VCF-style: chr10-63213867-C-G. GRCh37 (hg19) VCF-style: chr10-64973627-C-G.
Other names: c.1754G>C, p.Gly585Ala (NM_001282948.2, NM_001318154.2); c.1436G>C, p.Gly479Ala (NM_001318153.2); c.2186G>C, p.Gly729Ala (NM_001322252.2); c.1643G>C, p.Gly548Ala (NM_001322254.2, NM_001322258.2); short protein forms G767A, G729A, G479A, G548A, G585A.
Identifiers: ClinVar variation 583004 (VCV000583004.8), dbSNP rs746786140, ClinGen allele CA5518656.
Genomic context (GRCh38, chr10:63,213,867, plus strand): 5'-TGTGGACCACTAGTCAGAGGATGAGTGTTAATGGTAGGTAATGGAGTTTGACTAGATGAT[C>G]CGGCTAGTAAATGGGGTGCAGGAGTTAAGGCAGGATGATGGGTACCTGGATTTAAACAGG-3'
Protein context (NP_116165.1, residues 757-777): ALTPAPHLLA[Gly767Ala]SSSQTPLPTI